The following is an entry in ClinVar:

ClinVar aggregate classification (germline): Uncertain significance (1 of 4 stars; one submission).

Allele frequency attached by ClinVar (database versions not stated): gnomAD exomes below 0.00001.
gnomAD v4.1: 3 of 1,611,502 alleles (0.00019%); highest among the groups gnomAD compares: African/African-American, 0.0013%; no homozygotes.

Submission:

Labcorp Genetics (formerly Invitae), Labcorp
Classification: Uncertain significance. Last evaluated: 2024-01-02. Review status: criteria provided, single submitter. Criteria: Invitae Variant Classification Sherloc (09022015). Collection method: clinical testing. Allele origin: germline.
Comment: This sequence change replaces asparagine, which is neutral and polar, with aspartic acid, which is acidic and polar, at codon 664 of the SAMD11 protein (p.Asn664Asp). This variant is not present in population databases (gnomAD no frequency). This variant has not been reported in the literature in individuals affected with SAMD11-related conditions. ClinVar contains an entry for this variant (Variation ID: 1373256). An algorithm developed to predict the effect of missense changes on protein structure and function (PolyPhen-2) suggests that this variant is likely to be tolerated. In summary, the available evidence is currently insufficient to determine the role of this variant in disease. Therefore, it has been classified as a Variant of Uncertain Significance.

NM_001385641.1(SAMD11):c.2479A>G (p.Asn827Asp)

Gene: SAMD11 (sterile alpha motif domain containing 11; plus strand). Cytogenetic location: 1p36.33.
Variant type: single nucleotide variant.
Coding change: c.2479A>G on transcript NM_001385641.1 (MANE Select); coding-DNA position 2479, A replaced by G.
Protein change: p.Asn827Asp; replaces asparagine 827 with aspartic acid.
Molecular consequence: missense variant.
Genome position (GRCh38, 1-based): chr1:944,097, A>G. VCF-style: chr1-944097-A-G. GRCh37 (hg19) VCF-style: chr1-879477-A-G.
Other names: c.2482A>G, p.Asn828Asp (NM_001385640.1); c.1990A>G, p.Asn664Asp (NM_152486.4); short protein forms N827D, N828D, N664D.
Identifiers: ClinVar variation 1373256 (VCV001373256.8), dbSNP rs760245373, ClinGen allele CA16728745.
Genomic context (GRCh38, chr1:944,097, plus strand): 5'-GCCACGTCCCCCTATGGAGGGGGCCACGCCCTTGCCGGTCAAACTTCACCCAAGCAGGAG[A>G]ATGGGACCTTGGCTCTACTTCCAGGGGCCCCCGACCCTTCCCAGCCTCTGTGTTGAGGTT-3'
Protein context (NP_001372570.1, residues 817-837): LAGQTSPKQE[Asn827Asp]GTLALLPGAP